The following is an entry in ClinVar:

ClinVar aggregate classification (germline): Uncertain significance (1 of 4 stars; one submission).

Submission:

GeneDx
Classification: Uncertain significance. Last evaluated: 2019-05-22. Review status: criteria provided, single submitter. Criteria: GeneDx Variant Classification Process June 2021. Collection method: clinical testing. Allele origin: germline. Affected: yes.
Comment: Not observed in large population cohorts (Lek et al., 2016); In silico analysis, which includes splice predictors and evolutionary conservation, supports a deleterious effect

NM_144498.4(OSBPL2):c.675-13G>A

Gene: OSBPL2 (oxysterol binding protein like 2; plus strand). Cytogenetic location: 20q13.33.
Variant type: single nucleotide variant.
Coding change: c.675-13G>A on transcript NM_144498.4 (MANE Select); 13 bases into the intron before coding-DNA position 675, G replaced by A.
Molecular consequence: intron variant.
Genome position (GRCh38, 1-based): chr20:62,281,045, G>A. VCF-style: chr20-62281045-G-A. GRCh37 (hg19) VCF-style: chr20-60856101-G-A.
Other names: c.399-13G>A (NM_001363878.2, NM_001278649.3); c.639-13G>A (NM_014835.5).
Identifiers: ClinVar variation 1308315 (VCV001308315.2), dbSNP rs2145965672, ClinGen allele CA2573054898.